The following is an entry in ClinVar:

NM_000981.4(RPL19):c.208C>T (p.Arg70Cys)

Gene: RPL19 (ribosomal protein L19; plus strand). Cytogenetic location: 17q12.
Variant type: single nucleotide variant.
Coding change: c.208C>T on transcript NM_000981.4 (MANE Select); coding-DNA position 208, C replaced by T.
Protein change: p.Arg70Cys; replaces arginine 70 with cysteine.
Molecular consequence: missense variant.
Genome position (GRCh38, 1-based): chr17:39,202,412, C>T. VCF-style: chr17-39202412-C-T. GRCh37 (hg19) VCF-style: chr17-37358665-C-T.
Other names: c.202C>T, p.Arg68Cys (NM_001330200.1); c.208C>T (NM_000981.3); short protein forms R68C, R70C.
Identifiers: ClinVar variation 2170760 (VCV002170760.5), dbSNP rs766302055, ClinGen allele CA8528866.

ClinVar aggregate classification (germline): Uncertain significance. Review status: criteria provided, multiple submitters, no conflicts (2 of 4 stars). 2 submissions from 2 submitters: Uncertain significance (2). Last evaluated 2024-10-24.

Conditions:
RPL19-related disorder. Also called: RPL19-related condition.

Allele frequency attached by ClinVar (database versions not stated): ExAC 0.00002.
gnomAD v4.1: 12 of 1,614,200 alleles (0.00074%); highest among the groups gnomAD compares: Admixed American, 0.0017%; no homozygotes.

Submissions (2):

PreventionGenetics, part of Exact Sciences
Classification: Uncertain significance for RPL19-related condition. Last evaluated: 2024-10-24. Review status: criteria provided, single submitter. Criteria: ACMG Guidelines, 2015. Collection method: clinical testing. Allele origin: germline.
Comment: The RPL19 c.208C>T variant is predicted to result in the amino acid substitution p.Arg70Cys. To our knowledge, this variant has not been reported in the literature. This variant is reported in 0.0029% of alleles in individuals of Latino descent in gnomAD. At this time, the clinical significance of this variant is uncertain due to the absence of conclusive functional and genetic evidence.

Labcorp Genetics (formerly Invitae), Labcorp
Classification: Uncertain significance. Last evaluated: 2022-07-15. Review status: criteria provided, single submitter. Criteria: Invitae Variant Classification Sherloc (09022015). Collection method: clinical testing. Allele origin: germline.
Comment: This sequence change replaces arginine, which is basic and polar, with cysteine, which is neutral and slightly polar, at codon 70 of the RPL19 protein (p.Arg70Cys). In summary, the available evidence is currently insufficient to determine the role of this variant in disease. Therefore, it has been classified as a Variant of Uncertain Significance. Algorithms developed to predict the effect of missense changes on protein structure and function are either unavailable or do not agree on the potential impact of this missense change (SIFT: "Deleterious"; PolyPhen-2: "Benign"; Align-GVGD: "Class C0"). This variant has not been reported in the literature in individuals affected with RPL19-related conditions. This variant is present in population databases (rs766302055, gnomAD 0.003%).